The following is an entry in ClinVar:

ClinVar aggregate classification (germline): Pathogenic (1 of 4 stars; one submission).

Conditions:
Testosterone 17-beta-dehydrogenase deficiency. Also called: 46,XY disorder of sex development due to 17-beta-hydroxysteroid dehydrogenase 3 deficiency; 17-beta hydroxysteroid dehydrogenase 3 deficiency; Pseudohermaphroditism male with gynecomastia; 17 alpha ketosteroid reductase deficiency of testis; 17 alpha KSR deficiency; Neutral 17 beta hydroxysteroid oxidoreductase deficiency. Identifiers: Orphanet 752, MedGen C0268296, MONDO:0009916, OMIM 264300. Disease mechanism: loss of function.

Submission:

Juno Genomics, Hangzhou Juno Genomics, Inc
Classification: Pathogenic for Testosterone 17-beta-dehydrogenase deficiency. Review status: criteria provided, single submitter. Criteria: ACMG Guidelines, 2015. Collection method: clinical testing. Allele origin: germline.
Comment: Absent from controls (or at extremely low frequency if recessive) in Genome Aggregation Database.;Null variant in a gene where loss of function (LOF) is a known mechanism of disease.;For recessive disorders, detected in trans with a pathogenic variant.

NM_000197.2(HSD17B3):c.128_131del (p.Phe43fs)

Genes: SLC35D2-HSD17B3 (SLC35D2-HSD17B3 readthrough; minus strand), HSD17B3 (hydroxysteroid 17-beta dehydrogenase 3; minus strand). Cytogenetic location: 9q22.32.
Variant type: Microsatellite.
Coding change: c.128_131del on transcript NM_000197.2 (MANE Select); coding-DNA positions 128 to 131, 4 bases deleted (TCTT; older notation c.128_131delTCTT).
Protein change: p.Phe43fs; shifts the reading frame from phenylalanine 43.
Molecular consequence: frameshift variant. On other transcripts: non-coding transcript variant (1).
Genome position (GRCh38, 1-based): chr9:96,301,974-96,301,977, AAGA deleted on the plus strand (TCTT on the coding strand, the reverse complement: HSD17B3 is on the minus strand); deleting any 4 consecutive bases within chr9:96,301,974-96,301,981 gives the same sequence; the c. name uses the placement nearest the transcript's 3' end. VCF-style (leftmost placement, unchanged base first): chr9-96301973-CAAGA-C. GRCh37 (hg19) VCF-style: chr9-99064255-CAAGA-C.
Other names: short protein forms F43fs.
Identifiers: ClinVar variation 5007478 (VCV005007478.2).